The following is an entry in ClinVar:

NM_004168.4(SDHA):c.1781G>A (p.Arg594Lys)

Gene: SDHA (succinate dehydrogenase complex flavoprotein subunit A; plus strand). Cytogenetic location: 5p15.33.
Variant type: single nucleotide variant.
Coding change: c.1781G>A on transcript NM_004168.4 (MANE Select); coding-DNA position 1781, G replaced by A.
Protein change: p.Arg594Lys; replaces arginine 594 with lysine.
Molecular consequence: missense variant. On other transcripts: intron variant (1).
Genome position (GRCh38, 1-based): chr5:251,455, G>A. VCF-style: chr5-251455-G-A. GRCh37 (hg19) VCF-style: chr5-251570-G-A.
Other names: c.1637G>A, p.Arg546Lys (NM_001294332.2); c.1552-2938G>A (NM_001330758.2); short protein forms R546K, R594K.
Identifiers: ClinVar variation 649093 (VCV000649093.16), dbSNP rs1302547655, ClinGen allele CA359000413.
Genomic context (GRCh38, chr5:251,455, plus strand): 5'-GTGCGCTGCAGACCATCTACGGAGCAGAGGCACGGAAGGAGTCACGGGGCGCGCATGCCA[G>A]GGAAGACTACAAGGTGGGCCTTCTCACCACGCCCACCTGCACCTGCCTTTTCCTGCCACC-3'
Protein context (NP_004159.2, residues 584-604): ARKESRGAHA[Arg594Lys]EDYKVRIDEY

ClinVar aggregate classification (germline): Conflicting classifications of pathogenicity. Review status: criteria provided, conflicting classifications (1 of 4 stars). 3 submissions from 3 submitters: Likely pathogenic (1); Uncertain significance (2). Last evaluated 2025-11-13.

Conditions:
Mitochondrial complex II deficiency, nuclear type 1. Also called: SUCCINATE CoQ REDUCTASE DEFICIENCY. Identifiers: Orphanet 3208, MedGen C5700310, MONDO:0100294, OMIM 252011.
Pheochromocytoma/paraganglioma syndrome 5. Also called: Paragangliomas 5; SDHA-Related Hereditary Paraganglioma-Pheochromocytoma Syndrome. Identifiers: Orphanet 29072, MedGen C3279992, MONDO:0013602, OMIM 614165.
Hereditary cancer-predisposing syndrome. Also called: Tumor predisposition; Neoplastic Syndromes, Hereditary; Hereditary Cancer Syndrome; Hereditary neoplastic syndrome. Identifiers: Orphanet 140162, MedGen C0027672, MeSH D009386, MONDO:0015356.

Allele frequency attached by ClinVar (database versions not stated): TOPMed below 0.00001; gnomAD 0.00001.
gnomAD v4.1: 3 of 1,613,886 alleles (0.00019%); highest among the groups gnomAD compares: Non-Finnish European, 0.00025%; no homozygotes.

Submissions (3):

Ambry Genetics
Classification: Uncertain significance for Hereditary cancer-predisposing syndrome. Last evaluated: 2025-11-13. Review status: criteria provided, single submitter. Criteria: Ambry Variant Classification Scheme 2023. Collection method: clinical testing. Allele origin: germline.
Comment: The p.R594K variant (also known as c.1781G>A), located in coding exon 13 of the SDHA gene, results from a G to A substitution at nucleotide position 1781. The arginine at codon 594 is replaced by lysine, an amino acid with highly similar properties. This amino acid position is highly conserved in available vertebrate species. In addition, this alteration is predicted to be deleterious by in silico analysis. Based on the available evidence, the clinical significance of this variant remains unclear.

Victorian Clinical Genetics Services, Murdoch Childrens Research Institute
Classification: Likely pathogenic for Mitochondrial complex II deficiency, nuclear type 1. Last evaluated: 2024-10-09. Review status: criteria provided, single submitter. Criteria: ACMG Guidelines, 2015. Collection method: clinical testing. Allele origin: germline. Inheritance: Autosomal recessive inheritance. Affected: yes.
Comment: Based on the classification scheme VCGS_Germline_v1.3.4, this variant is classified as Likely pathogenic. Following criteria are met: 0102 - Loss of function is a known mechanism of disease in this gene and is associated with SDHA-related disorders (MIM#613642, MIM#252011, MIM#619259, MIM#614165) . (I) 0108 - This gene is associated with both recessive and dominant disease (OMIM). (I) 0112 - A condition associated with this gene has incomplete penetrance. Variants in this gene are known to have reduced penetrance for paragangliomas 5 (PMID: 29978154). (I) 0200 - Variant is predicted to result in a missense amino acid change from arginine to lysine. (I) 0251 - This variant is heterozygous. (I) 0304 - Variant is present in gnomAD <0.01 (v3: 1 heterozygote, 0 homozygotes). (SP) 0309 - An alternative amino acid change at the same position has been observed in gnomAD (v3) (1 heterozygote, 0 homozygotes). (I) 0501 - Missense variant consistently predicted to be damaging by multiple in silico tools or highly conserved with a major amino acid change. (SP) 0600 - Variant is located in the annotated Succ_DH_flav_C domain (DECIPHER). (I) 0710 - Other missense variants comparable to the one identified in this case have inconclusive previous evidence for pathogenicity. p.(Arg594Ser), p.(Arg594Met) and p.(Arg594Gly) have been classified as VUS in ClinVar. (I) 0803 - This variant has limited previous evidence of pathogenicity in an unrelated individual. It has also been reported as a VUS in Clinvar. (SP) 0905 - No published segregation evidence has been identified for this variant. (I) 1007 - No published functional evidence has been identified for this variant. (I) 1201 - Heterozygous variant detected in trans with a second likely pathogenic heterozygous variant (NM_004168.3(SDHA):c.1244C>T; p.(Thr415Ile)) in a recessive disease. (I) Legend: (SP) - Supporting pathogenic, (I) - Information, (SB) - Supporting benign

Labcorp Genetics (formerly Invitae), Labcorp
Classification: Uncertain significance for Pheochromocytoma/paraganglioma syndrome 5; Mitochondrial complex II deficiency, nuclear type 1. Last evaluated: 2018-11-04. Review status: criteria provided, single submitter. Criteria: Invitae Variant Classification Sherloc (09022015). Collection method: clinical testing. Allele origin: germline.
Comment: This sequence change replaces arginine with lysine at codon 594 of the SDHA protein (p.Arg594Lys). The arginine residue is highly conserved and there is a small physicochemical difference between arginine and lysine. This variant is not present in population databases (ExAC no frequency). This variant has not been reported in the literature in individuals with SDHA-related disease. Algorithms developed to predict the effect of missense changes on protein structure and function are either unavailable or do not agree on the potential impact of this missense change (SIFT: "Tolerated"; PolyPhen-2: "Probably Damaging"; Align-GVGD: "Class C0"). In summary, the available evidence is currently insufficient to determine the role of this variant in disease. Therefore, it has been classified as a Variant of Uncertain Significance.

Literature cited by the submitters: PubMed 31827275 (cited by Ambry Genetics and Victorian Clinical Genetics Services, Murdoch Childrens Research Institute); PubMed 29978154 (cited by Victorian Clinical Genetics Services, Murdoch Childrens Research Institute).